The following is an entry in ClinVar:

NM_002292.4(LAMB2):c.1000C>A (p.Arg334Ser)

Gene: LAMB2 (laminin subunit beta 2; minus strand). Cytogenetic location: 3p21.31.
Variant type: single nucleotide variant.
Coding change: c.1000C>A on transcript NM_002292.4 (MANE Select); coding-DNA position 1000, C replaced by A.
Protein change: p.Arg334Ser; replaces arginine 334 with serine.
Molecular consequence: missense variant.
Genome position (GRCh38, 1-based): chr3:49,130,776, G>T on the plus strand (C>A on the coding strand, the complement: LAMB2 is on the minus strand). VCF-style: chr3-49130776-G-T. GRCh37 (hg19) VCF-style: chr3-49168209-G-T.
Other names: short protein forms R334S.
Identifiers: ClinVar variation 1402666 (VCV001402666.3), dbSNP rs187004232, ClinGen allele CA2394732.

ClinVar aggregate classification (germline): Uncertain significance (1 of 4 stars; one submission).

Conditions:
Pierson syndrome. Also called: MICROCORIA-CONGENITAL NEPHROTIC SYNDROME. Identifiers: Orphanet 2670, MedGen C1836876, MONDO:0012184, OMIM 609049.
LAMB2-related infantile-onset nephrotic syndrome. Also called: Nephrotic Syndrome, type 5; NEPHROTIC SYNDROME, TYPE 5, WITHOUT OCULAR ABNORMALITIES; NEPHROTIC SYNDROME, TYPE 5, WITH OCULAR ABNORMALITIES. Identifiers: Orphanet 306507, MedGen C3280113, MONDO:0013621, OMIM 614199.

Allele frequency attached by ClinVar (database versions not stated): 1000 Genomes Project 0.00040; 1000 Genomes Project 30x 0.00047.
gnomAD v4.1: 11 of 1,614,120 alleles (0.00068%); highest among the groups gnomAD compares: Admixed American, 0.017%; no homozygotes.

Submission:

Labcorp Genetics (formerly Invitae), Labcorp
Classification: Uncertain significance for LAMB2-related infantile-onset nephrotic syndrome; Pierson syndrome. Last evaluated: 2021-10-15. Review status: criteria provided, single submitter. Criteria: Invitae Variant Classification Sherloc (09022015). Collection method: clinical testing. Allele origin: germline.
Comment: This sequence change replaces arginine with serine at codon 334 of the LAMB2 protein (p.Arg334Ser). The arginine residue is moderately conserved and there is a moderate physicochemical difference between arginine and serine. This variant is present in population databases (rs187004232, ExAC 0.009%). This variant has not been reported in the literature in individuals affected with LAMB2-related conditions. Algorithms developed to predict the effect of missense changes on protein structure and function are either unavailable or do not agree on the potential impact of this missense change (SIFT: "Deleterious"; PolyPhen-2: "Benign"; Align-GVGD: "Class C35"). In summary, the available evidence is currently insufficient to determine the role of this variant in disease. Therefore, it has been classified as a Variant of Uncertain Significance.